The following is an entry in ClinVar:

NM_006019.4(TCIRG1):c.980G>A (p.Arg327Gln)

Gene: TCIRG1 (T cell immune regulator 1, ATPase H+ transporting V0 subunit a3; plus strand). Cytogenetic location: 11q13.2.
Variant type: single nucleotide variant.
Coding change: c.980G>A on transcript NM_006019.4 (MANE Select); coding-DNA position 980, G replaced by A.
Protein change: p.Arg327Gln; replaces arginine 327 with glutamine.
Molecular consequence: missense variant.
Genome position (GRCh38, 1-based): chr11:68,044,304, G>A. VCF-style: chr11-68044304-G-A. GRCh37 (hg19) VCF-style: chr11-67811771-G-A.
Other names: c.86G>A, p.Arg29Gln (NM_001351059.2); c.332G>A, p.Arg111Gln (NM_006053.4); short protein forms R29Q, R111Q, R327Q.
Identifiers: ClinVar variation 1401742 (VCV001401742.6), dbSNP rs376320516, ClinGen allele CA6146860.

ClinVar aggregate classification (germline): Uncertain significance (1 of 4 stars; one submission).

gnomAD v4.1: 7 of 1,602,768 alleles (0.00044%); highest among the groups gnomAD compares: Admixed American, 0.0017%; no homozygotes.

Submission:

Labcorp Genetics (formerly Invitae), Labcorp
Classification: Uncertain significance. Last evaluated: 2024-03-31. Review status: criteria provided, single submitter. Criteria: Invitae Variant Classification Sherloc (09022015). Collection method: clinical testing. Allele origin: germline.
Comment: This sequence change replaces arginine, which is basic and polar, with glutamine, which is neutral and polar, at codon 327 of the TCIRG1 protein (p.Arg327Gln). The frequency data for this variant in the population databases is considered unreliable, as metrics indicate poor data quality at this position in the gnomAD database. This variant has not been reported in the literature in individuals affected with TCIRG1-related conditions. ClinVar contains an entry for this variant (Variation ID: 1401742). Advanced modeling of protein sequence and biophysical properties (such as structural, functional, and spatial information, amino acid conservation, physicochemical variation, residue mobility, and thermodynamic stability) performed at Invitae indicates that this missense variant is not expected to disrupt TCIRG1 protein function with a negative predictive value of 80%. In summary, the available evidence is currently insufficient to determine the role of this variant in disease. Therefore, it has been classified as a Variant of Uncertain Significance.